The following is an entry in ClinVar:

NM_001161352.2(KCNMA1):c.1057G>A (p.Val353Ile)

Gene: KCNMA1 (potassium calcium-activated channel subfamily M alpha 1; minus strand). Cytogenetic location: 10q22.3.
Variant type: single nucleotide variant.
Coding change: c.1057G>A on transcript NM_001161352.2 (MANE Select); coding-DNA position 1057, G replaced by A.
Protein change: p.Val353Ile; replaces valine 353 with isoleucine.
Molecular consequence: missense variant.
Genome position (GRCh38, 1-based): chr10:77,110,247, C>T on the plus strand (G>A on the coding strand, the complement: KCNMA1 is on the minus strand). VCF-style: chr10-77110247-C-T. GRCh37 (hg19) VCF-style: chr10-78870005-C-T.
Other names: c.1057G>A, p.Val353Ile (NM_001014797.3, NM_001161353.2, NM_001271519.2 and 8 more transcripts); c.895G>A, p.Val299Ile (NM_001271518.2); c.517G>A, p.Val173Ile (NM_001322838.2); short protein forms V173I, V299I, V353I.
Identifiers: ClinVar variation 2691854 (VCV002691854.3), dbSNP rs1389710406, ClinGen allele CA377409152.

ClinVar aggregate classification (germline): Uncertain significance (1 of 4 stars; one submission).

Conditions:
Liang-Wang syndrome. Identifiers: Orphanet 664438, MedGen C5231479, MONDO:0032886, OMIM 618729.

Allele frequency attached by ClinVar (database versions not stated): gnomAD 0.00001.
gnomAD v4.1: 1 of 1,613,802 alleles (0.000062%); no homozygotes.

Submission:

Institute of Human Genetics, University of Leipzig Medical Center
Classification: Uncertain significance for Liang-Wang syndrome. Last evaluated: 2024-01-12. Review status: criteria provided, single submitter. Criteria: ACMG Guidelines, 2015. Collection method: clinical testing. Allele origin: maternal. Inheritance: Autosomal dominant inheritance. Affected: yes.
Comment: Criteria applied: PM2_SUP,PP2,PP3